The following is an entry in ClinVar:

ClinVar aggregate classification (germline): Uncertain significance (1 of 4 stars; one submission).

Conditions:
Early-infantile DEE. Also called: Early infantile epileptic encephalopathy; Early infantile epileptic encephalopathy with suppression bursts; Ohtahara syndrome. Identifiers: Orphanet 1934, MedGen C0393706, MONDO:0800491.

Submission:

Labcorp Genetics (formerly Invitae), Labcorp
Classification: Uncertain significance for Early-infantile DEE. Last evaluated: 2022-09-01. Review status: criteria provided, single submitter. Criteria: Invitae Variant Classification Sherloc (09022015). Collection method: clinical testing. Allele origin: germline.
Comment: In summary, the available evidence is currently insufficient to determine the role of this variant in disease. Therefore, it has been classified as a Variant of Uncertain Significance. Advanced modeling of protein sequence and biophysical properties (such as structural, functional, and spatial information, amino acid conservation, physicochemical variation, residue mobility, and thermodynamic stability) performed at Invitae indicates that this missense variant is not expected to disrupt KCNH5 protein function. ClinVar contains an entry for this variant (Variation ID: 1352495). This variant has not been reported in the literature in individuals affected with KCNH5-related conditions. This variant is not present in population databases (gnomAD no frequency). This sequence change replaces glutamic acid, which is acidic and polar, with aspartic acid, which is acidic and polar, at codon 737 of the KCNH5 protein (p.Glu737Asp).

NM_139318.5(KCNH5):c.2211G>C (p.Glu737Asp)

Gene: KCNH5 (potassium voltage-gated channel subfamily H member 5; minus strand). Cytogenetic location: 14q23.2.
Variant type: single nucleotide variant.
Coding change: c.2211G>C on transcript NM_139318.5 (MANE Select); coding-DNA position 2211, G replaced by C.
Protein change: p.Glu737Asp; replaces glutamic acid 737 with aspartic acid.
Molecular consequence: missense variant. On other transcripts: 3 prime UTR variant (1).
Genome position (GRCh38, 1-based): chr14:62,708,264, C>G on the plus strand (G>C on the coding strand, the complement: KCNH5 is on the minus strand). VCF-style: chr14-62708264-C-G. GRCh37 (hg19) VCF-style: chr14-63174982-C-G.
Other names: c.*178G>C (NM_172375.3); short protein forms E737D.
Identifiers: ClinVar variation 1352495 (VCV001352495.7), dbSNP rs1050337000, ClinGen allele CA390101096.
Genomic context (GRCh38, chr14:62,708,264, plus strand): 5'-CTGTGACACAGTCACCACGCTGGTTCCGGTGATGGAGGCTCCATTCTGTAAGGAGCGGCT[C>G]TCTACCTGGAGTTGGTTCCTCTCAGGGTCACCCTGTGTTGAGCCCTGATTCCGCAGCTCC-3'
Protein context (NP_647479.2, residues 727-747): GDPERNQLQV[Glu737Asp]SRSLQNGASI